The following is an entry in ClinVar:

ClinVar aggregate classification (germline): Pathogenic (1 of 4 stars; one submission).

Conditions:
Very long chain acyl-CoA dehydrogenase deficiency (ACADVLD). Also called: VLCAD Deficiency; Very Long-Chain Acyl-Coenzyme A Dehydrogenase Deficiency. Identifiers: Orphanet 26793, MedGen C3887523, MONDO:0008723, OMIM 201475.

Submissions (3):

Labcorp Genetics (formerly Invitae), Labcorp
Classification: Pathogenic for Very long chain acyl-CoA dehydrogenase deficiency. Last evaluated: 2023-08-29. Review status: criteria provided, single submitter. Criteria: Invitae Variant Classification Sherloc (09022015). Collection method: clinical testing. Allele origin: germline.
Comment: This sequence change affects a donor splice site in intron 4 of the ACADVL gene. It is expected to disrupt RNA splicing. Variants that disrupt the donor or acceptor splice site typically lead to a loss of protein function (PMID: 16199547), and loss-of-function variants in ACADVL are known to be pathogenic (PMID: 9973285, 11590124). Algorithms developed to predict the effect of sequence changes on RNA splicing suggest that this variant may disrupt the consensus splice site. ClinVar contains an entry for this variant (Variation ID: 1427529). Disruption of this splice site has been observed in individual(s) with very long chain acyl-CoA dehydrogenase deficiency (PMID: 22847164). In at least one individual the data is consistent with being in trans (on the opposite chromosome) from a pathogenic variant. This variant is not present in population databases (gnomAD no frequency). For these reasons, this variant has been classified as Pathogenic.

Dr. Peter K. Rogan Lab, Western University
No classification provided (evidence only). Condition: Colon adenocarcinoma. Review status: no classification provided. Collection method: in vitro. Allele origin: not applicable. Functional consequence: skipped exon, retained intron. Not counted in ClinVar's aggregate classification.

MutSpliceDB: a database of splice sites variants effects on splicing, NIH
No classification provided (evidence only). Review status: no classification provided. Collection method: in vivo. Allele origin: not applicable. Functional consequence: retained intron. Not counted in ClinVar's aggregate classification.

Literature cited by the submitters: PubMed 16199547 (cited by Labcorp Genetics (formerly Invitae), Labcorp); PubMed 9973285 (cited by Labcorp Genetics (formerly Invitae), Labcorp); PubMed 11590124 (cited by Labcorp Genetics (formerly Invitae), Labcorp); PubMed 22847164 (cited by Labcorp Genetics (formerly Invitae), Labcorp).

NM_000018.4(ACADVL):c.277+2T>C

Gene: ACADVL (acyl-CoA dehydrogenase very long chain; plus strand). Cytogenetic location: 17p13.1.
Variant type: single nucleotide variant.
Coding change: c.277+2T>C on transcript NM_000018.4 (MANE Select); the canonical splice donor site of the intron after coding-DNA position 277, T replaced by C.
Molecular consequence: splice donor variant.
Genome position (GRCh38, 1-based): chr17:7,220,678, T>C. VCF-style: chr17-7220678-T-C. GRCh37 (hg19) VCF-style: chr17-7123997-T-C.
Other names: NM_000018.4:c.277+2T>C; c.346+2T>C (NM_001270447.2); c.49+2T>C (NM_001270448.2); c.211+2T>C (NM_001033859.3).
Identifiers: ClinVar variation 1427529 (VCV001427529.12), dbSNP rs1555527745, ClinGen allele CA397722483.
Genomic context (GRCh38, chr17:7,220,678, plus strand): 5'-TGCTGTGGGAATGTTCAAAGGCCAGCTCACCACAGATCAGGTGTTCCCATACCCGTCCGG[T>C]AAGGGAAGGGATAATCAGAGCTGGGTGGGGCCAGGGTGGTTTCCCCTGCCAGCCTGGCCT-3'